The following is an entry in ClinVar:

NM_005677.4(COLQ):c.1019G>A (p.Arg340His)

Gene: COLQ (collagen like tail subunit of asymmetric acetylcholinesterase; minus strand). Cytogenetic location: 3p25.1.
Variant type: single nucleotide variant.
Coding change: c.1019G>A on transcript NM_005677.4 (MANE Select); coding-DNA position 1019, G replaced by A.
Protein change: p.Arg340His; replaces arginine 340 with histidine.
Molecular consequence: missense variant.
Genome position (GRCh38, 1-based): chr3:15,456,515, C>T on the plus strand (G>A on the coding strand, the complement: COLQ is on the minus strand). VCF-style: chr3-15456515-C-T. GRCh37 (hg19) VCF-style: chr3-15498022-C-T.
Other names: c.989G>A, p.Arg330His (NM_080538.2); c.917G>A, p.Arg306His (NM_080539.4); short protein forms R340H, R306H, R330H.
Identifiers: ClinVar variation 536239 (VCV000536239.14), dbSNP rs375225755, ClinGen allele CA2275900.

ClinVar aggregate classification (germline): Conflicting classifications of pathogenicity. Review status: criteria provided, conflicting classifications (1 of 4 stars). 4 submissions from 4 submitters: Likely pathogenic (1); Uncertain significance (3). Last evaluated 2025-04-11.

Conditions:
Congenital myasthenic syndrome 5. Identifiers: Orphanet 590, MedGen C1864233, MONDO:0011281, OMIM 603034.

Allele frequency attached by ClinVar (database versions not stated): ExAC 0.00003; gnomAD exomes 0.00003; TOPMed 0.00004; gnomAD 0.00005 and 0.00006; ESP Exome Variant Server 0.00008.
gnomAD v4.1: 70 of 1,614,006 alleles (0.0043%); highest among the groups gnomAD compares: Non-Finnish European, 0.0053%; no homozygotes.

Submissions (4):

GeneDx
Classification: Likely pathogenic. Last evaluated: 2025-04-11. Review status: criteria provided, single submitter. Criteria: GeneDx Variant Classification Process June 2021. Collection method: clinical testing. Allele origin: germline. Affected: yes.
Comment: Observed with another variant in the COLQ gene in siblings with muscle weakness and scoliosis in published literature (PMID: 22088788); Not observed at significant frequency in large population cohorts (gnomAD); In silico analysis supports that this missense variant has a deleterious effect on protein structure/function; This variant is associated with the following publications: (PMID: 34426522, 22088788)

Labcorp Genetics (formerly Invitae), Labcorp
Classification: Uncertain significance for Congenital myasthenic syndrome 5. Last evaluated: 2023-08-07. Review status: criteria provided, single submitter. Criteria: Invitae Variant Classification Sherloc (09022015). Collection method: clinical testing. Allele origin: germline.
Comment: In summary, the available evidence is currently insufficient to determine the role of this variant in disease. Therefore, it has been classified as a Variant of Uncertain Significance. Advanced modeling of protein sequence and biophysical properties (such as structural, functional, and spatial information, amino acid conservation, physicochemical variation, residue mobility, and thermodynamic stability) performed at Invitae indicates that this missense variant is not expected to disrupt COLQ protein function. ClinVar contains an entry for this variant (Variation ID: 536239). This missense change has been observed in individual(s) with autosomal recessive congenital myasthenic syndrome (PMID: 22088788). This variant is present in population databases (rs375225755, gnomAD 0.008%). This sequence change replaces arginine, which is basic and polar, with histidine, which is basic and polar, at codon 340 of the COLQ protein (p.Arg340His).

Women's Health and Genetics/Laboratory Corporation of America, LabCorp
Classification: Uncertain significance. Last evaluated: 2023-01-19. Review status: criteria provided, single submitter. Criteria: LabCorp Variant Classification Summary - May 2015. Collection method: clinical testing. Allele origin: germline.
Comment: Variant summary: COLQ c.1019G>A (p.Arg340His) results in a non-conservative amino acid change in the encoded protein sequence. Five of five in-silico tools predict a damaging effect of the variant on protein function. The variant allele was found at a frequency of 2.8e-05 in 251474 control chromosomes (gnomAD). c.1019G>A has been reported in the literature in two compound heterozygous siblings affected with Congenital Myasthenic Syndrome (Wargon_2012). These data indicate that the variant may be associated with disease. To our knowledge, no experimental evidence demonstrating an impact on protein function has been reported. One ClinVar submitter has assessed the variant since 2014: the variant was classified as uncertain significance. Based on the evidence outlined above, the variant was classified as VUS-possibly pathogenic.

Revvity Omics, Revvity
Classification: Uncertain significance for Congenital myasthenic syndrome 5. Last evaluated: 2019-08-13. Review status: criteria provided, single submitter. Criteria: ACMG Guidelines, 2015. Collection method: clinical testing. Allele origin: germline.

Literature cited by the submitters: PubMed 22088788 (cited by Labcorp Genetics (formerly Invitae), Labcorp and Women's Health and Genetics/Laboratory Corporation of America, LabCorp).